The following is an entry in ClinVar:

ClinVar aggregate classification (germline): Uncertain significance (1 of 4 stars; one submission).

Submission:

Labcorp Genetics (formerly Invitae), Labcorp
Classification: Uncertain significance. Last evaluated: 2022-04-22. Review status: criteria provided, single submitter. Criteria: Invitae Variant Classification Sherloc (09022015). Collection method: clinical testing. Allele origin: germline.
Comment: This sequence change replaces glycine, which is neutral and non-polar, with aspartic acid, which is acidic and polar, at codon 220 of the COL9A3 protein (p.Gly220Asp). This variant is not present in population databases (gnomAD no frequency). This variant has not been reported in the literature in individuals affected with COL9A3-related conditions. Advanced modeling of protein sequence and biophysical properties (such as structural, functional, and spatial information, amino acid conservation, physicochemical variation, residue mobility, and thermodynamic stability) performed at Invitae indicates that this missense variant is expected to disrupt COL9A3 protein function. In summary, the available evidence is currently insufficient to determine the role of this variant in disease. Therefore, it has been classified as a Variant of Uncertain Significance.

NM_001853.4(COL9A3):c.659G>A (p.Gly220Asp)

Gene: COL9A3 (collagen type IX alpha 3 chain; plus strand). Cytogenetic location: 20q13.33.
Variant type: single nucleotide variant.
Coding change: c.659G>A on transcript NM_001853.4 (MANE Select); coding-DNA position 659, G replaced by A.
Protein change: p.Gly220Asp; replaces glycine 220 with aspartic acid.
Molecular consequence: missense variant.
Genome position (GRCh38, 1-based): chr20:62,825,845, G>A. VCF-style: chr20-62825845-G-A. GRCh37 (hg19) VCF-style: chr20-61457197-G-A.
Other names: short protein forms G220D.
Identifiers: ClinVar variation 2129454 (VCV002129454.4), dbSNP rs957987103, ClinGen allele CA317328682.
Genomic context (GRCh38, chr20:62,825,845, plus strand): 5'-GGCCGCTGACCACCCTATCCCCTCTGTTTCAGGGTGACCCTGGCCCCCCTGGGCCCGCCG[G>A]CCTCCCGGGCAGCGTGGGGCTGCAGGTGAGGCTAGGAAGGGGTAAGGATGGTGGGATGGG-3'
Protein context (NP_001844.3, residues 210-230): KGDPGPPGPA[Gly220Asp]LPGSVGLQGP